The following is an entry in ClinVar:

ClinVar aggregate classification (germline): Likely benign (0 of 4 stars; one submission).

Conditions:
PEX14-related disorder. Also called: PEX14-related condition.

Allele frequency attached by ClinVar (database versions not stated): gnomAD exomes below 0.00001.
gnomAD v4.1: 3 of 1,607,136 alleles (0.00019%); highest among the groups gnomAD compares: Non-Finnish European, 0.00017%; no homozygotes.

Submission:

PreventionGenetics, part of Exact Sciences
Classification: Likely benign for PEX14-related condition. Last evaluated: 2023-05-08. Review status: no assertion criteria provided. Collection method: clinical testing. Allele origin: germline.
Comment: This variant is classified as likely benign based on ACMG/AMP sequence variant interpretation guidelines (Richards et al. 2015 PMID: 25741868, with internal and published modifications).

NM_004565.3(PEX14):c.-9C>T

Gene: PEX14 (peroxisomal biogenesis factor 14; plus strand). Cytogenetic location: 1p36.22.
Variant type: single nucleotide variant.
Coding change: c.-9C>T on transcript NM_004565.3 (MANE Select); 9 bases upstream of the start codon, C replaced by T.
Molecular consequence: 5 prime UTR variant.
Genome position (GRCh38, 1-based): chr1:10,474,958, C>T. VCF-style: chr1-10474958-C-T. GRCh37 (hg19) VCF-style: chr1-10535015-C-T.
Identifiers: ClinVar variation 3029435 (VCV003029435.2), dbSNP rs1641165924, ClinGen allele CA2574207960.
Genomic context (GRCh38, chr1:10,474,958, plus strand): 5'-GAGGGCGAGAGCGAGGGCGCCTGGGAGAAACCTCGCCCAGCGGCGGTTGATTAGTCAGGC[C>T]TCAGAAAGATGGCGTCCTCGGAGCAGGCAGAGCAGCCGAGCCAGGTAAGGGGAGTGGGAC-3'